The following is an entry in ClinVar:

ClinVar aggregate classification (germline): Benign (1 of 4 stars; one submission).

Allele frequency attached by ClinVar (database versions not stated): gnomAD 0.12993 and 0.12666; 1000 Genomes Project 0.07308; 1000 Genomes Project 30x 0.07698; TOPMed 0.12543.

Submission:

GeneDx
Classification: Benign. Last evaluated: 2018-06-19. Review status: criteria provided, single submitter. Criteria: GeneDx Variant Classification (06012015). Collection method: clinical testing. Allele origin: germline. Affected: yes.
Comment: This variant is considered likely benign or benign based on one or more of the following criteria: it is a conservative change, it occurs at a poorly conserved position in the protein, it is predicted to be benign by multiple in silico algorithms, and/or has population frequency not consistent with disease.

NM_017875.4(SLC25A38):c.793-224C>T

Gene: SLC25A38 (solute carrier family 25 member 38; plus strand). Cytogenetic location: 3p22.1.
Variant type: single nucleotide variant.
Coding change: c.793-224C>T on transcript NM_017875.4 (MANE Select); 224 bases into the intron before coding-DNA position 793, C replaced by T.
Molecular consequence: intron variant.
Genome position (GRCh38, 1-based): chr3:39,396,174, C>T. VCF-style: chr3-39396174-C-T. GRCh37 (hg19) VCF-style: chr3-39437665-C-T.
Other names: c.626-224C>T (NM_001354798.2).
Identifiers: ClinVar variation 671878 (VCV000671878.1), dbSNP rs11712093, ClinGen allele CA11529638.